The following is an entry in ClinVar:

ClinVar aggregate classification (germline): Uncertain significance (1 of 4 stars; one submission).

Submission:

Labcorp Genetics (formerly Invitae), Labcorp
Classification: Uncertain significance. Last evaluated: 2022-06-22. Review status: criteria provided, single submitter. Criteria: Invitae Variant Classification Sherloc (09022015). Collection method: clinical testing. Allele origin: germline.
Comment: In summary, the available evidence is currently insufficient to determine the role of this variant in disease. Therefore, it has been classified as a Variant of Uncertain Significance. Advanced modeling of protein sequence and biophysical properties (such as structural, functional, and spatial information, amino acid conservation, physicochemical variation, residue mobility, and thermodynamic stability) performed at Invitae indicates that this missense variant is not expected to disrupt WFS1 protein function. This variant has not been reported in the literature in individuals affected with WFS1-related conditions. This variant is not present in population databases (gnomAD no frequency). This sequence change replaces proline, which is neutral and non-polar, with alanine, which is neutral and non-polar, at codon 479 of the WFS1 protein (p.Pro479Ala).

NM_006005.3(WFS1):c.1435C>G (p.Pro479Ala)

Gene: WFS1 (wolframin ER transmembrane glycoprotein; plus strand). Cytogenetic location: 4p16.1.
Variant type: single nucleotide variant.
Coding change: c.1435C>G on transcript NM_006005.3 (MANE Select); coding-DNA position 1435, C replaced by G.
Protein change: p.Pro479Ala; replaces proline 479 with alanine.
Molecular consequence: missense variant.
Genome position (GRCh38, 1-based): chr4:6,301,230, C>G. VCF-style: chr4-6301230-C-G. GRCh37 (hg19) VCF-style: chr4-6302957-C-G.
Other names: c.1435C>G, p.Pro479Ala (NM_001145853.1); short protein forms P479A.
Identifiers: ClinVar variation 2009324 (VCV002009324.4), dbSNP rs1477447848, ClinGen allele CA356174938.